The following is an entry in ClinVar:

NM_005861.4(STUB1):c.771C>T (p.Ile257=)

Genes: JMJD8 (jumonji domain containing 8; minus strand), STUB1 (STIP1 homology and U-box containing protein 1; plus strand). Cytogenetic location: 16p13.3.
Variant type: single nucleotide variant.
Coding change: c.771C>T on transcript NM_005861.4 (MANE Select); coding-DNA position 771, C replaced by T.
Protein change: p.Ile257=; no amino-acid change (isoleucine 257 retained).
Molecular consequence: synonymous variant. On other transcripts: 3 prime UTR variant (5), non-coding transcript variant (3).
Genome position (GRCh38, 1-based): chr16:682,266, C>T. VCF-style: chr16-682266-C-T. GRCh37 (hg19) VCF-style: chr16-732266-C-T.
Other names: c.555C>T, p.Ile185= (NM_001293197.2); c.*528G>A (NM_001005920.4, NM_001323919.3, NM_001323920.3); c.*562G>A (NM_001323918.3, NM_001323922.3).
Identifiers: ClinVar variation 2570918 (VCV002570918.29), dbSNP rs547031103, ClinGen allele CA7786810.

ClinVar aggregate classification (germline): Benign/Likely benign. Review status: criteria provided, multiple submitters, no conflicts (2 of 4 stars). 3 submissions from 3 submitters: Benign (1); Likely benign (2). Last evaluated 2025-04-14.

Allele frequency attached by ClinVar (database versions not stated): TOPMed 0.00008; gnomAD 0.00009; ExAC 0.00017.
gnomAD v4.1: 104 of 1,602,634 alleles (0.0065%); highest among the groups gnomAD compares: East Asian, 0.11%; 1 homozygote.

Submissions (3):

Labcorp Genetics (formerly Invitae), Labcorp
Classification: Benign. Last evaluated: 2025-04-14. Review status: criteria provided, single submitter. Criteria: Invitae Variant Classification Sherloc (09022015). Collection method: clinical testing. Allele origin: germline.

Blueprint Genetics
Classification: Likely benign. Last evaluated: 2024-10-23. Review status: criteria provided, single submitter. Criteria: ACMG Guidelines, 2015. Collection method: clinical testing. Allele origin: germline.

CeGaT Center for Human Genetics Tuebingen
Classification: Likely benign. Last evaluated: 2023-04-01. Review status: criteria provided, single submitter. Criteria: CeGaT Center For Human Genetics Tuebingen Variant Classification Criteria Version 2. Collection method: clinical testing. Allele origin: germline. Affected: yes. Observed: 1 variant allele.
Comment: STUB1: BP4, BP7